The following is an entry in ClinVar:

NM_000059.4(BRCA2):c.8743G>T (p.Ala2915Ser)

Gene: BRCA2 (BRCA2 DNA repair associated; plus strand). Cytogenetic location: 13q13.1.
Variant type: single nucleotide variant.
Coding change: c.8743G>T on transcript NM_000059.4 (MANE Select); coding-DNA position 8743, G replaced by T.
Protein change: p.Ala2915Ser; replaces alanine 2915 with serine.
Molecular consequence: missense variant.
Genome position (GRCh38, 1-based): chr13:32,376,780, G>T. VCF-style: chr13-32376780-G-T. GRCh37 (hg19) VCF-style: chr13-32950917-G-T.
Other names: short protein forms A2915S.
Identifiers: ClinVar variation 849176 (VCV000849176.10), dbSNP rs2072876301, ClinGen allele CA387755055.

ClinVar aggregate classification (germline): Uncertain significance (1 of 4 stars; one submission).

Conditions:
Hereditary breast ovarian cancer syndrome. Also called: Hereditary breast and ovarian cancer syndrome; Breast and ovarian cancer; Hereditary breast and/or ovarian cancer syndrome; Hereditary breast and ovarian cancer; BRCA1- and BRCA2-Associated Hereditary Breast and Ovarian Cancer; Hereditary breast and ovarian cancer syndrome (HBOC). Identifiers: Orphanet 145, MedGen C0677776, MeSH D061325, MONDO:0003582. Disease mechanism: loss of function.

Allele frequency attached by ClinVar (database versions not stated): gnomAD exomes below 0.00001.
gnomAD v4.1: 1 of 1,614,088 alleles (0.000062%); highest among the groups gnomAD compares: Non-Finnish European, 0.000085%; no homozygotes.

Submission:

Labcorp Genetics (formerly Invitae), Labcorp
Classification: Uncertain significance for Hereditary breast ovarian cancer syndrome. Last evaluated: 2019-09-23. Review status: criteria provided, single submitter. Criteria: Invitae Variant Classification Sherloc (09022015). Collection method: clinical testing. Allele origin: germline.
Comment: In summary, the available evidence is currently insufficient to determine the role of this variant in disease. Therefore, it has been classified as a Variant of Uncertain Significance. Algorithms developed to predict the effect of missense changes on protein structure and function output the following: SIFT: "Tolerated"; PolyPhen-2: "Benign"; Align-GVGD: "Class C0". The serine amino acid residue is found in multiple mammalian species, suggesting that this missense change does not adversely affect protein function. These predictions have not been confirmed by published functional studies and their clinical significance is uncertain. This variant has not been reported in the literature in individuals with BRCA2-related conditions. This variant is not present in population databases (ExAC no frequency). This sequence change replaces alanine with serine at codon 2915 of the BRCA2 protein (p.Ala2915Ser). The alanine residue is moderately conserved and there is a moderate physicochemical difference between alanine and serine.